The following is an entry in ClinVar:

NM_024422.6(DSC2):c.2458A>G (p.Arg820Gly)

Gene: DSC2 (desmocollin 2; minus strand). Cytogenetic location: 18q12.1.
Variant type: single nucleotide variant.
Coding change: c.2458A>G on transcript NM_024422.6 (MANE Select); coding-DNA position 2458, A replaced by G.
Protein change: p.Arg820Gly; replaces arginine 820 with glycine.
Molecular consequence: missense variant.
Genome position (GRCh38, 1-based): chr18:31,068,944, T>C on the plus strand (A>G on the coding strand, the complement: DSC2 is on the minus strand). VCF-style: chr18-31068944-T-C. GRCh37 (hg19) VCF-style: chr18-28648910-T-C.
Other names: c.2029A>G, p.Arg677Gly (NM_001406506.1, NM_001406507.1); c.2458A>G, p.Arg820Gly (NM_004949.5); short protein forms R677G, R820G.
Identifiers: ClinVar variation 4803689 (VCV004803689.1).
Genomic context (GRCh38, chr18:31,068,944, plus strand): 5'-GAAAACTCACTTCACCAAGACGGGGCTGAGTAAAACTGTGCCACTCCGAGTAAGTGTATC[T>C]GCAGTTGTCCACCTCCGTGTGTCCTCCCCTGCAGGAGTCCAGGGTGTGATGGTGGCCAGC-3'
Protein context (NP_077740.1, residues 810-830): RGGHTEVDNC[Arg820Gly]YTYSEWHSFT

ClinVar aggregate classification (germline): Uncertain significance (1 of 4 stars; one submission).

Conditions:
Arrhythmogenic right ventricular dysplasia 11. Also called: ARRHYTHMOGENIC RIGHT VENTRICULAR DYSPLASIA, FAMILIAL, 11; Arrhythmogenic Right Ventricular Dysplasia/Cardiomyopathy11; Arrhythmogenic right ventricular dysplasia 11 with mild palmoplantar keratoderma and woolly hair. Identifiers: MedGen C1864850, MONDO:0012506, OMIM 610476.

gnomAD v4.1: 1 of 1,614,108 alleles (0.000062%); highest among the groups gnomAD compares: South Asian, 0.0011%; no homozygotes.

Submission:

Labcorp Genetics (formerly Invitae), Labcorp
Classification: Uncertain significance for Arrhythmogenic right ventricular dysplasia 11. Last evaluated: 2025-03-30. Review status: criteria provided, single submitter. Criteria: Invitae Variant Classification Sherloc (09022015). Collection method: clinical testing. Allele origin: germline.
Comment: This sequence change replaces arginine, which is basic and polar, with glycine, which is neutral and non-polar, at codon 820 of the DSC2 protein (p.Arg820Gly). This variant is not present in population databases (gnomAD no frequency). This missense change has been observed in individual(s) with hypertrophic cardiomyopathy (PMID: 34500006). Invitae Evidence Modeling of protein sequence and biophysical properties (such as structural, functional, and spatial information, amino acid conservation, physicochemical variation, residue mobility, and thermodynamic stability) has been performed for this missense variant. However, the output from this modeling did not meet the statistical confidence thresholds required to predict the impact of this variant on DSC2 protein function. In summary, the available evidence is currently insufficient to determine the role of this variant in disease. Therefore, it has been classified as a Variant of Uncertain Significance.

Literature cited by the submitters: PubMed 34500006.